The following is an entry in ClinVar:

ClinVar aggregate classification (germline): Benign (1 of 4 stars; one submission).

Conditions:
Immunodeficiency 51 (IMD51). Also called: CANDIDIASIS, FAMILIAL, 5. Identifiers: Orphanet 1334, MedGen C4310803, MONDO:0013500, OMIM 613953.

Allele frequency attached by ClinVar (database versions not stated): gnomAD exomes 0.00070; 1000 Genomes Project 30x 0.00625; gnomAD 0.00628 and 0.00671; 1000 Genomes Project 0.00639; TOPMed 0.00684.
gnomAD v4.1: 1,252 of 567,116 alleles (0.22%); highest among the groups gnomAD compares: African/African-American, 2.1%; 15 homozygotes.

Submission:

Illumina Laboratory Services, Illumina
Classification: Benign for Immunodeficiency 51. Last evaluated: 2018-01-13. Review status: criteria provided, single submitter. Criteria: ICSL Variant Classification Criteria 13 December 2019. Collection method: clinical testing. Allele origin: germline.
Comment: This variant was observed in the ICSL laboratory as part of a predisposition screen in an ostensibly healthy population. It had not been previously curated by ICSL or reported in the Human Gene Mutation Database (HGMD: prior to June 1st, 2018), and was therefore a candidate for classification through an automated scoring system. Utilizing variant allele frequency, disease prevalence and penetrance estimates, and inheritance mode, an automated score was calculated to assess if this variant is too frequent to cause the disease. Based on the score and internal cut-off values, a variant classified as benign is not then subjected to further curation. The score for this variant resulted in a classification of benign for this disease.

NM_014339.7(IL17RA):c.*238G>C

Gene: IL17RA (interleukin 17 receptor A; plus strand). Cytogenetic location: 22q11.1.
Variant type: single nucleotide variant.
Coding change: c.*238G>C on transcript NM_014339.7 (MANE Select); 238 bases downstream of the stop codon, G replaced by C.
Molecular consequence: 3 prime UTR variant.
Genome position (GRCh38, 1-based): chr22:17,110,058, G>C. VCF-style: chr22-17110058-G-C. GRCh37 (hg19) VCF-style: chr22-17590948-G-C.
Other names: c.*238G>C (NM_001289905.2).
Identifiers: ClinVar variation 340619 (VCV000340619.5), dbSNP rs143922111, ClinGen allele CA10653771.